The following is an entry in ClinVar:

ClinVar aggregate classification (germline): Uncertain significance. Review status: criteria provided, multiple submitters, no conflicts (2 of 4 stars). 3 submissions from 3 submitters: Uncertain significance (3). Last evaluated 2024-09-28.

Submissions (3):

Labcorp Genetics (formerly Invitae), Labcorp
Classification: Uncertain significance. Last evaluated: 2024-09-28. Review status: criteria provided, single submitter. Criteria: Invitae Variant Classification Sherloc (09022015). Collection method: clinical testing. Allele origin: germline.
Comment: This sequence change replaces proline, which is neutral and non-polar, with leucine, which is neutral and non-polar, at codon 137 of the LRRC10 protein (p.Pro137Leu). This variant is present in population databases (rs148806029, gnomAD 0.004%). This variant has not been reported in the literature in individuals affected with LRRC10-related conditions. An algorithm developed to predict the effect of missense changes on protein structure and function (PolyPhen-2) suggests that this variant is likely to be disruptive. In summary, the available evidence is currently insufficient to determine the role of this variant in disease. Therefore, it has been classified as a Variant of Uncertain Significance.

Ambry Genetics
Classification: Uncertain significance. Last evaluated: 2024-07-30. Review status: criteria provided, single submitter. Criteria: Ambry Variant Classification Scheme 2023. Collection method: clinical testing. Allele origin: germline.

Blueprint Genetics
Classification: Uncertain significance. Last evaluated: 2022-04-11. Review status: criteria provided, single submitter. Criteria: ACMG Guidelines, 2015. Collection method: clinical testing. Allele origin: germline.

NM_201550.4(LRRC10):c.410C>T (p.Pro137Leu)

Gene: LRRC10 (leucine rich repeat containing 10; minus strand). Cytogenetic location: 12q15.
Variant type: single nucleotide variant.
Coding change: c.410C>T on transcript NM_201550.4 (MANE Select); coding-DNA position 410, C replaced by T.
Protein change: p.Pro137Leu; replaces proline 137 with leucine.
Molecular consequence: missense variant.
Genome position (GRCh38, 1-based): chr12:69,610,429, G>A on the plus strand (C>T on the coding strand, the complement: LRRC10 is on the minus strand). VCF-style: chr12-69610429-G-A. GRCh37 (hg19) VCF-style: chr12-70004209-G-A.
Other names: c.410C>T (NM_201550.2); short protein forms P137L.
Identifiers: ClinVar variation 2993319 (VCV002993319.5), dbSNP rs148806029, ClinGen allele CA6681073.